The following is an entry in ClinVar:

NM_020964.3(EPG5):c.3881G>A (p.Trp1294Ter)

Gene: EPG5 (ectopic P-granules 5 autophagy tethering factor; minus strand). Cytogenetic location: 18q21.1.
Variant type: single nucleotide variant.
Coding change: c.3881G>A on transcript NM_020964.3 (MANE Select); coding-DNA position 3881, G replaced by A.
Protein change: p.Trp1294Ter; replaces tryptophan 1294 with a stop codon.
Molecular consequence: nonsense.
Genome position (GRCh38, 1-based): chr18:45,912,392, C>T on the plus strand (G>A on the coding strand, the complement: EPG5 is on the minus strand). VCF-style: chr18-45912392-C-T. GRCh37 (hg19) VCF-style: chr18-43492357-C-T.
Other names: c.3881G>A, p.Trp1294Ter (NM_001410858.1, NM_001410859.1); short protein forms W1294*.
Identifiers: ClinVar variation 3638249 (VCV003638249.3).

ClinVar aggregate classification (germline): Pathogenic/Likely pathogenic. Review status: criteria provided, multiple submitters, no conflicts (2 of 4 stars). 2 submissions from 2 submitters: Pathogenic (1); Likely pathogenic (1). Last evaluated 2024-02-11.

Conditions:
EPG5-related disorders.
Vici syndrome (VICIS). Identifiers: Orphanet 1493, MedGen C1855772, MONDO:0009452, OMIM 242840.

Submissions (2):

Labcorp Genetics (formerly Invitae), Labcorp
Classification: Pathogenic for Vici syndrome. Last evaluated: 2024-02-11. Review status: criteria provided, single submitter. Criteria: Invitae Variant Classification Sherloc (09022015). Collection method: clinical testing. Allele origin: germline.
Comment: This sequence change creates a premature translational stop signal (p.Trp1294*) in the EPG5 gene. It is expected to result in an absent or disrupted protein product. Loss-of-function variants in EPG5 are known to be pathogenic (PMID: 23222957, 23674064). This variant is not present in population databases (gnomAD no frequency). This variant has not been reported in the literature in individuals affected with EPG5-related conditions. For these reasons, this variant has been classified as Pathogenic.

Blueprint Genetics
Classification: Likely pathogenic for EPG5-related disorders. Last evaluated: 2023-05-29. Review status: criteria provided, single submitter. Criteria: ACMG Guidelines, 2015. Collection method: clinical testing. Allele origin: germline. Affected: yes. Observed: 2 variant alleles.

Literature cited by the submitters: PubMed 23222957 (cited by Labcorp Genetics (formerly Invitae), Labcorp); PubMed 23674064 (cited by Labcorp Genetics (formerly Invitae), Labcorp).